The following is an entry in ClinVar:

ClinVar aggregate classification (germline): Uncertain significance. Review status: criteria provided, multiple submitters, no conflicts (2 of 4 stars). 8 submissions from 8 submitters: Uncertain significance (5). 3 of the submissions do not count toward it. Last evaluated 2023-08-03.

Conditions:
TH-deficient dopa-responsive dystonia. Also called: DYT-TH; Segawa syndrome, autosomal recessive; Tyrosine Hydroxylase-Deficient Dopa-Responsive Dystonia. Identifiers: Orphanet 101150, MedGen C2673535, MONDO:0011551, OMIM 605407.

Allele frequency attached by ClinVar (database versions not stated): gnomAD exomes 0.00011; ESP Exome Variant Server 0.00023; ExAC 0.00008; TOPMed 0.00015; gnomAD 0.00029.
gnomAD v4.1: 330 of 1,611,688 alleles (0.02%); highest among the groups gnomAD compares: Non-Finnish European, 0.026%; no homozygotes.

Submissions (8):

Blueprint Genetics
Classification: Uncertain significance. Last evaluated: 2023-08-03. Review status: criteria provided, single submitter. Criteria: ACMG Guidelines, 2015. Collection method: clinical testing. Allele origin: germline.

Labcorp Genetics (formerly Invitae), Labcorp
Classification: Uncertain significance for TH-deficient dopa-responsive dystonia. Last evaluated: 2022-10-24. Review status: criteria provided, single submitter. Criteria: Invitae Variant Classification Sherloc (09022015). Collection method: clinical testing. Allele origin: germline.
Comment: This sequence change replaces valine, which is neutral and non-polar, with methionine, which is neutral and non-polar, at codon 167 of the TH protein (p.Val167Met). This variant is present in population databases (rs142046543, gnomAD 0.02%). This missense change has been observed in individual(s) with Parkinson‚Äôs disease (PMID: 22583432). This variant is also known as V136M. ClinVar contains an entry for this variant (Variation ID: 304078). Advanced modeling of protein sequence and biophysical properties (such as structural, functional, and spatial information, amino acid conservation, physicochemical variation, residue mobility, and thermodynamic stability) has been performed at Invitae for this missense variant, however the output from this modeling did not meet the statistical confidence thresholds required to predict the impact of this variant on TH protein function. Algorithms developed to predict the effect of sequence changes on RNA splicing suggest that this variant may disrupt the consensus splice site. In summary, the available evidence is currently insufficient to determine the role of this variant in disease. Therefore, it has been classified as a Variant of Uncertain Significance.

GeneDx
Classification: Uncertain significance. Last evaluated: 2020-01-08. Review status: criteria provided, single submitter. Criteria: GeneDx Variant Classification Process June 2021. Collection method: clinical testing. Allele origin: germline. Affected: yes.
Comment: In silico analysis, which includes protein predictors and evolutionary conservation, supports that this variant does not alter protein structure/function; Has not been previously published as pathogenic or benign to our knowledge

Fulgent Genetics
Classification: Uncertain significance for TH-deficient dopa-responsive dystonia. Last evaluated: 2018-10-31. Review status: criteria provided, single submitter. Criteria: ACMG Guidelines, 2015. Collection method: clinical testing. Allele origin: unknown.

Illumina Laboratory Services, Illumina
Classification: Uncertain significance for TH-deficient dopa-responsive dystonia. Last evaluated: 2018-01-13. Review status: criteria provided, single submitter. Criteria: ICSL Variant Classification Criteria 13 December 2019. Collection method: clinical testing. Allele origin: germline.

Natera, Inc.
Classification: Uncertain significance for Autosomal recessive Segawa syndrome. Last evaluated: 2020-09-16. Review status: no assertion criteria provided. Collection method: clinical testing. Allele origin: germline. Not counted in ClinVar's aggregate classification.

Clinical Genetics DNA and cytogenetics Diagnostics Lab, Erasmus MC, Erasmus Medical Center
Classification: Uncertain significance. Review status: no assertion criteria provided. Collection method: clinical testing. Allele origin: germline. Affected: yes. Study: VKGL Data-share Consensus. Not counted in ClinVar's aggregate classification.

Diagnostic Laboratory, Department of Genetics, University Medical Center Groningen
Classification: Uncertain significance. Review status: no assertion criteria provided. Collection method: clinical testing. Allele origin: germline. Affected: yes. Study: VKGL Data-share Consensus. Not counted in ClinVar's aggregate classification.

Literature cited by the submitters: PubMed 22583432 (cited by Labcorp Genetics (formerly Invitae), Labcorp).

NM_000360.4(TH):c.406G>A (p.Val136Met)

Gene: TH (tyrosine hydroxylase; minus strand). Cytogenetic location: 11p15.5.
Variant type: single nucleotide variant.
Coding change: c.406G>A on transcript NM_000360.4 (MANE Select); coding-DNA position 406, G replaced by A.
Protein change: p.Val136Met; replaces valine 136 with methionine.
Molecular consequence: missense variant.
Genome position (GRCh38, 1-based): chr11:2,168,572, C>T on the plus strand (G>A on the coding strand, the complement: TH is on the minus strand). VCF-style: chr11-2168572-C-T. GRCh37 (hg19) VCF-style: chr11-2189802-C-T.
Other names: c.499G>A, p.Val167Met (NM_199292.3); c.487G>A, p.Val163Met (NM_199293.3); short protein forms V136M, V167M, V163M.
Identifiers: ClinVar variation 304078 (VCV000304078.17), dbSNP rs142046543, ClinGen allele CA5818676.